The following is an entry in ClinVar:

ClinVar aggregate classification (germline): Likely benign. Review status: criteria provided, multiple submitters, no conflicts (2 of 4 stars). 4 submissions from 4 submitters: Likely benign (4). Last evaluated 2026-06-01.

Conditions:
EGFR-related lung cancer (EGFR). Identifiers: MedGen CN130014.
Hereditary cancer-predisposing syndrome. Also called: Hereditary Cancer Syndrome; Tumor predisposition; Hereditary neoplastic syndrome; Neoplastic Syndromes, Hereditary. Identifiers: Orphanet 140162, MedGen C0027672, MeSH D009386, MONDO:0015356.

Allele frequency attached by ClinVar (database versions not stated): TOPMed 0.00001; ESP Exome Variant Server 0.00008.
gnomAD v4.1: 62 of 1,614,130 alleles (0.0038%); highest among the groups gnomAD compares: Middle Eastern, 0.033%; no homozygotes.

Submissions (4):

CeGaT Center for Human Genetics Tuebingen
Classification: Likely benign. Last evaluated: 2026-06-01. Review status: criteria provided, single submitter. Criteria: CeGaT Center For Human Genetics Tuebingen Variant Classification Criteria Version 2. Collection method: clinical testing. Allele origin: germline. Affected: yes. Observed: 1 variant allele.
Comment: EGFR: BP4, BP7

Labcorp Genetics (formerly Invitae), Labcorp
Classification: Likely benign for EGFR-related lung cancer. Last evaluated: 2025-11-12. Review status: criteria provided, single submitter. Criteria: Invitae Variant Classification Sherloc (09022015). Collection method: clinical testing. Allele origin: germline.

Ambry Genetics
Classification: Likely benign for Hereditary cancer-predisposing syndrome. Last evaluated: 2024-10-17. Review status: criteria provided, single submitter. Criteria: Ambry Variant Classification Scheme 2023. Collection method: clinical testing. Allele origin: germline.

Sema4
Classification: Likely benign for Hereditary cancer-predisposing syndrome. Last evaluated: 2021-12-13. Review status: criteria provided, single submitter. Criteria: Sema4 Curation Guidelines. Collection method: curation. Allele origin: germline.

NM_005228.5(EGFR):c.1536C>T (p.Pro512=)

Gene: EGFR (epidermal growth factor receptor; plus strand). Cytogenetic location: 7p11.2.
Variant type: single nucleotide variant.
Coding change: c.1536C>T on transcript NM_005228.5 (MANE Select); coding-DNA position 1536, C replaced by T.
Protein change: p.Pro512=; no amino-acid change (proline 512 retained).
Molecular consequence: synonymous variant.
Genome position (GRCh38, 1-based): chr7:55,161,536, C>T. VCF-style: chr7-55161536-C-T. GRCh37 (hg19) VCF-style: chr7-55229229-C-T.
Other names: c.1401C>T, p.Pro467= (NM_001346897.2, NM_001346899.2); c.1536C>T, p.Pro512= (NM_001346898.2, NM_201282.2, NM_201284.2); c.1377C>T, p.Pro459= (NM_001346900.2); c.735C>T, p.Pro245= (NM_001346941.2).
Identifiers: ClinVar variation 748877 (VCV000748877.15), dbSNP rs374670788, ClinGen allele CA4265608.